The following is an entry in ClinVar:

NM_015981.4(CAMK2A):c.325G>A (p.Glu109Lys)

Gene: CAMK2A (calcium/calmodulin dependent protein kinase II alpha; minus strand). Cytogenetic location: 5q32.
Variant type: single nucleotide variant.
Coding change: c.325G>A on transcript NM_015981.4 (MANE Select); coding-DNA position 325, G replaced by A.
Protein change: p.Glu109Lys; replaces glutamic acid 109 with lysine.
Molecular consequence: missense variant.
Genome position (GRCh38, 1-based): chr5:150,256,779, C>T on the plus strand (G>A on the coding strand, the complement: CAMK2A is on the minus strand). VCF-style: chr5-150256779-C-T. GRCh37 (hg19) VCF-style: chr5-149636342-C-T.
Other names: c.325G>A, p.Glu109Lys (NM_001363989.1, NM_001363990.1, NM_001369025.2 and 1 more transcripts); short protein forms E109K.
Identifiers: ClinVar variation 4814056 (VCV004814056.1).

ClinVar aggregate classification (germline): Likely pathogenic (1 of 4 stars; one submission).

Conditions:
Intellectual developmental disorder, autosomal dominant 53. Also called: MENTAL RETARDATION, AUTOSOMAL DOMINANT 53; Intellectual disability, autosomal dominant 53. Identifiers: MedGen C4540481, MONDO:0030919, OMIM 617798.

Submission:

Department of Human Genetics, Hannover Medical School
Classification: Likely pathogenic for Intellectual developmental disorder, autosomal dominant 53. Last evaluated: 2026-03-27. Review status: criteria provided, single submitter. Criteria: ACMG Guidelines, 2015. Collection method: clinical testing. Allele origin: germline. Affected: yes.
Comment: ACMG/SVI: PS1_Supporting, PS2_Supporting, PM1_Supporting, PM2_Supporting, PP2, PP3